The following is an entry in ClinVar:

ClinVar aggregate classification (germline): Uncertain significance (1 of 4 stars; one submission).

gnomAD v4.1: 1 of 1,613,846 alleles (0.000062%); highest among the groups gnomAD compares: Non-Finnish European, 0.000085%; no homozygotes.

Submission:

Mayo Clinic Laboratories, Mayo Clinic
Classification: Uncertain significance. Last evaluated: 2025-03-27. Review status: criteria provided, single submitter. Criteria: ACMG Guidelines, 2015. Collection method: clinical testing. Allele origin: germline. Observed: 1 variant allele.
Comment: PP3_strong, PM2_supporting

NM_000053.4(ATP7B):c.1879T>G (p.Phe627Val)

Gene: ATP7B (ATPase copper transporting beta; minus strand). Cytogenetic location: 13q14.3.
Variant type: single nucleotide variant.
Coding change: c.1879T>G on transcript NM_000053.4 (MANE Select); coding-DNA position 1879, T replaced by G.
Protein change: p.Phe627Val; replaces phenylalanine 627 with valine.
Molecular consequence: missense variant. On other transcripts: intron variant (13).
Genome position (GRCh38, 1-based): chr13:51,961,904, A>C on the plus strand (T>G on the coding strand, the complement: ATP7B is on the minus strand). VCF-style: chr13-51961904-A-C. GRCh37 (hg19) VCF-style: chr13-52536040-A-C.
Other names: p.Phe627Val; c.1546T>G, p.Phe516Val (NM_001243182.2); c.1879T>G, p.Phe627Val (NM_001330578.2, NM_001406511.1, NM_001406512.1 and 16 more transcripts); c.1846T>G, p.Phe616Val (NM_001406514.1, NM_001406524.1); c.1783T>G, p.Phe595Val (NM_001406517.1, NM_001406518.1, NM_001406530.1 and 1 more transcripts); c.1450T>G, p.Phe484Val (NM_001406539.1); c.1869+2968T>G (NM_001406541.1, NM_001406531.1, NM_001406532.1 and 5 more transcripts); c.1773+2968T>G (NM_001406543.1, NM_001406544.1); and 2 more; short protein forms F516V, F595V, F616V, F484V, F627V.
Identifiers: ClinVar variation 4541783 (VCV004541783.1).